The following is an entry in ClinVar:

ClinVar aggregate classification (germline): Uncertain significance (1 of 4 stars; one submission).

gnomAD v4.1: 24 of 1,606,044 alleles (0.0015%); highest among the groups gnomAD compares: Middle Eastern, 0.017%; no homozygotes.

Submission:

Labcorp Genetics (formerly Invitae), Labcorp
Classification: Uncertain significance. Last evaluated: 2024-06-21. Review status: criteria provided, single submitter. Criteria: Invitae Variant Classification Sherloc (09022015). Collection method: clinical testing. Allele origin: germline.
Comment: This sequence change replaces proline, which is neutral and non-polar, with leucine, which is neutral and non-polar, at codon 320 of the KANK2 protein (p.Pro320Leu). This variant is present in population databases (rs764293000, gnomAD 0.005%). This variant has not been reported in the literature in individuals affected with KANK2-related conditions. Algorithms developed to predict the effect of missense changes on protein structure and function output the following: SIFT: "Not Available"; PolyPhen-2: "Benign"; Align-GVGD: "Not Available". The leucine amino acid residue is found in multiple mammalian species, which suggests that this missense change does not adversely affect protein function. In summary, the available evidence is currently insufficient to determine the role of this variant in disease. Therefore, it has been classified as a Variant of Uncertain Significance.

NM_001136191.3(KANK2):c.959C>T (p.Pro320Leu)

Gene: KANK2 (KN motif and ankyrin repeat domains 2; minus strand). Cytogenetic location: 19p13.2.
Variant type: single nucleotide variant.
Coding change: c.959C>T on transcript NM_001136191.3 (MANE Select); coding-DNA position 959, C replaced by T.
Protein change: p.Pro320Leu; replaces proline 320 with leucine.
Molecular consequence: missense variant.
Genome position (GRCh38, 1-based): chr19:11,193,121, G>A on the plus strand (C>T on the coding strand, the complement: KANK2 is on the minus strand). VCF-style: chr19-11193121-G-A. GRCh37 (hg19) VCF-style: chr19-11303797-G-A.
Other names: c.959C>T, p.Pro320Leu (NM_001379553.1, NM_001379554.1, NM_001379555.1 and 15 more transcripts); short protein forms P320L.
Identifiers: ClinVar variation 3715420 (VCV003715420.2).